The following is an entry in ClinVar:

ClinVar aggregate classification (germline): Likely pathogenic. Review status: criteria provided, multiple submitters, no conflicts (2 of 4 stars). 2 submissions from 2 submitters: Likely pathogenic (2). Last evaluated 2026-01-24.

Conditions:
Cerebrooculofacioskeletal syndrome 2 (COFS2). Identifiers: MedGen C1853102, MONDO:0012553, OMIM 610756.
Xeroderma pigmentosum, group D (XPD). Also called: XERODERMA PIGMENTOSUM, COMPLEMENTATION GROUP D; XERODERMA PIGMENTOSUM IV; XP, GROUP D; XP, GROUP H; ERCC2-Related Xeroderma Pigmentosum. Identifiers: MedGen C0268138, MONDO:0010212, OMIM 278730.
Trichothiodystrophy 1, photosensitive (TTD1). Also called: TAY SYNDROME; TRICHOTHIODYSTROPHY WITH CONGENITAL ICHTHYOSIS; PIBIDS SYNDROME. Identifiers: Orphanet 33364, MedGen C1866504, MONDO:0011125, OMIM 601675.

Submissions (2):

Labcorp Genetics (formerly Invitae), Labcorp
Classification: Likely pathogenic. Last evaluated: 2026-01-24. Review status: criteria provided, single submitter. Criteria: Invitae Variant Classification Sherloc (09022015). Collection method: clinical testing. Allele origin: germline.
Comment: This variant results in the deletion of part of exon 4 (c.184-1_186del) of the ERCC2 gene. It is expected to disrupt RNA splicing. Variants that disrupt the donor or acceptor splice site typically lead to a loss of protein function (PMID: 16199547), and loss-of-function variants in ERCC2 are known to be pathogenic (PMID: 9238033, 11335038, 19085937, 19934020). This variant is not present in population databases (gnomAD no frequency). This variant has not been reported in the literature in individuals affected with ERCC2-related conditions. In summary, the currently available evidence indicates that the variant is pathogenic, but additional data are needed to prove that conclusively. Therefore, this variant has been classified as Likely Pathogenic.

Fulgent Genetics
Classification: Likely pathogenic for Xeroderma pigmentosum, group D; Trichothiodystrophy 1, photosensitive; Cerebrooculofacioskeletal syndrome 2. Last evaluated: 2024-03-05. Review status: criteria provided, single submitter. Criteria: ACMG Guidelines, 2015. Collection method: clinical testing. Allele origin: germline.

Literature cited by the submitters: PubMed 16199547 (cited by Labcorp Genetics (formerly Invitae), Labcorp); PubMed 9238033 (cited by Labcorp Genetics (formerly Invitae), Labcorp); PubMed 11335038 (cited by Labcorp Genetics (formerly Invitae), Labcorp); PubMed 19085937 (cited by Labcorp Genetics (formerly Invitae), Labcorp); PubMed 19934020 (cited by Labcorp Genetics (formerly Invitae), Labcorp).

NM_000400.4(ERCC2):c.184-1_186del

Gene: ERCC2 (ERCC excision repair 2, TFIIH core complex helicase subunit; minus strand). Cytogenetic location: 19q13.32.
Variant type: Microsatellite.
Coding change: c.184-1_186del on transcript NM_000400.4 (MANE Select); the canonical splice acceptor site of the intron before coding-DNA position 184 through coding-DNA position 186, 4 bases deleted (GGCA; older notation c.184-1_186delGGCA).
Molecular consequence: splice acceptor variant.
Genome position (GRCh38, 1-based): chr19:45,368,990-45,368,993, TGCC deleted on the plus strand (GGCA on the coding strand, the reverse complement: ERCC2 is on the minus strand); deleting any 4 consecutive bases within chr19:45,368,990-45,368,997 gives the same sequence; the c. name uses the placement nearest the transcript's 3' end. VCF-style (leftmost placement, unchanged base first): chr19-45368989-ATGCC-A. GRCh37 (hg19) VCF-style: chr19-45872247-ATGCC-A.
Other names: c.112-1_114del (NM_001130867.2).
Identifiers: ClinVar variation 3583951 (VCV003583951.2).